The following is an entry in ClinVar:

ClinVar aggregate classification (germline): Conflicting classifications of pathogenicity. Review status: criteria provided, conflicting classifications (1 of 4 stars). 3 submissions from 3 submitters: Uncertain significance (2); Likely benign (1). Last evaluated 2025-11-09.

Conditions:
Van Maldergem syndrome 2 (VMLDS2). Identifiers: Orphanet 314679, MedGen C3809875, MONDO:0014242, OMIM 615546.

Allele frequency attached by ClinVar (database versions not stated): gnomAD exomes 0.00005 and 0.00009; ExAC 0.00008; 1000 Genomes Project 30x 0.00031; 1000 Genomes Project 0.00040.
gnomAD v4.1: 87 of 1,613,416 alleles (0.0054%); highest among the groups gnomAD compares: South Asian, 0.045%; no homozygotes.

Submissions (3):

Labcorp Genetics (formerly Invitae), Labcorp
Classification: Likely benign. Last evaluated: 2025-11-09. Review status: criteria provided, single submitter. Criteria: Invitae Variant Classification Sherloc (09022015). Collection method: clinical testing. Allele origin: germline.

Clinical Genomics Laboratory, Washington University in St. Louis
Classification: Uncertain significance for Van Maldergem syndrome 2. Last evaluated: 2024-09-13. Review status: criteria provided, single submitter. Criteria: ACMG Guidelines, 2015. Collection method: clinical testing. Allele origin: germline.
Comment: A FAT4 c.8537G>A (p.Arg2846Gln) variant was identified at a near heterozygous allelic fraction of 48.5%, a frequency which may be consistent with germline origin. This variant, to our knowledge, has not been reported in the medical literature. This variant is observed on 87/1,613,416 alleles in the general population (gnomAD v.4.1.0). The FAT4 c.8537G>A (p.Arg2846Gln) variant has been reported in the ClinVar database as a variant of uncertain significance by one submitter and a likely benign variant by one submitter (ClinVar variation ID: 1220268). Computational predictors suggest that the variant does not impact FAT4 function. Due to limited information, and based on ACMG/AMP guidelines for variant interpretation (Richards S et al., PMID: 25741868), the clinical significance of this variant is uncertain at this time.

GeneDx
Classification: Uncertain significance. Last evaluated: 2022-05-16. Review status: criteria provided, single submitter. Criteria: GeneDx Variant Classification Process June 2021. Collection method: clinical testing. Allele origin: germline. Affected: yes.
Comment: In silico analysis, which includes protein predictors and evolutionary conservation, supports that this variant does not alter protein structure/function; Has not been previously published as pathogenic or benign to our knowledge

NM_001291303.3(FAT4):c.8537G>A (p.Arg2846Gln)

Gene: FAT4 (FAT atypical cadherin 4; plus strand). Cytogenetic location: 4q28.1.
Variant type: single nucleotide variant.
Coding change: c.8537G>A on transcript NM_001291303.3 (MANE Select); coding-DNA position 8537, G replaced by A.
Protein change: p.Arg2846Gln; replaces arginine 2846 with glutamine.
Molecular consequence: missense variant.
Genome position (GRCh38, 1-based): chr4:125,449,547, G>A. VCF-style: chr4-125449547-G-A. GRCh37 (hg19) VCF-style: chr4-126370702-G-A.
Other names: c.8537G>A, p.Arg2846Gln (NM_001291285.3); c.8531G>A, p.Arg2844Gln (NM_024582.6); short protein forms R2844Q, R2846Q.
Identifiers: ClinVar variation 1220268 (VCV001220268.15), dbSNP rs373393333, ClinGen allele CA3073390.